The following is an entry in ClinVar:

NM_002880.4(RAF1):c.582-8T>G

Gene: RAF1 (Raf-1 proto-oncogene, serine/threonine kinase; minus strand). Cytogenetic location: 3p25.2.
Variant type: single nucleotide variant.
Coding change: c.582-8T>G on transcript NM_002880.4 (MANE Select); 8 bases into the intron before coding-DNA position 582, T replaced by G.
Molecular consequence: intron variant.
Genome position (GRCh38, 1-based): chr3:12,606,307, A>C on the plus strand (T>G on the coding strand, the complement: RAF1 is on the minus strand). VCF-style: chr3-12606307-A-C. GRCh37 (hg19) VCF-style: chr3-12647806-A-C.
Other names: c.339-2018T>G (NM_001354695.3); c.339-8T>G (NM_001354692.3, NM_001354694.3, NM_001354691.3); c.582-2018T>G (NM_001354693.3); c.582-8T>G (NM_001354689.3, NM_001354690.3).
Identifiers: ClinVar variation 1805010 (VCV001805010.1), dbSNP rs2059028124, ClinGen allele CA923726312.

ClinVar aggregate classification (germline): Uncertain significance (1 of 4 stars; one submission).

Conditions:
Dilated cardiomyopathy 1NN. Identifiers: Orphanet 154, MedGen C4014656, MONDO:0014396, OMIM 615916.

Allele frequency attached by ClinVar (database versions not stated): gnomAD exomes below 0.00001.
gnomAD v4.1: 1 of 1,594,626 alleles (0.000063%); highest among the groups gnomAD compares: Non-Finnish European, 0.000086%; no homozygotes.

Submission:

Victorian Clinical Genetics Services, Murdoch Childrens Research Institute
Classification: Uncertain significance for Dilated cardiomyopathy 1NN. Last evaluated: 2020-07-02. Review status: criteria provided, single submitter. Criteria: ACMG Guidelines, 2015. Collection method: clinical testing. Allele origin: germline. Inheritance: Autosomal dominant inheritance.
Comment: Based on the classification scheme VCGS_Germline_v1.3.3, this variant is classified as VUS - 3B. Following criteria are met: 0103 - Loss of function and gain of function are known mechanisms of disease in this gene. (I) 0107 - This gene is associated with autosomal dominant disease. (I) 0212 - Non-canonical splice site variant without proven consequence on splicing (no functional evidence available). (SP) 0251 - This variant is heterozygous. (I) 0301 - Variant is absent from gnomAD (both v2 and v3). (SP) 0508 - In silico predictions for abnormal splicing are inconclusive. Nucleotide is moderately conserved. (I) 0705 - No comparable [variant type] variants have previous evidence for pathogenicity. (I) 0807 - This variant has no previous evidence of pathogenicity. (I) 0905 - No published segregation evidence has been identified for this variant. (I) 1007 - No published functional evidence has been identified for this variant. (I) 1208 - Inheritance information for this variant is not currently available in this individual. (I) Legend: (SP) - Supporting Pathogenic, (I) – Information, (SB) – Supporting Benign